The following is an entry in ClinVar:

NM_001048174.2(MUTYH):c.98A>G (p.Lys33Arg)

Gene: MUTYH (mutY DNA glycosylase; minus strand). Cytogenetic location: 1p34.1.
Variant type: single nucleotide variant.
Coding change: c.98A>G on transcript NM_001048174.2 (MANE Select); coding-DNA position 98, A replaced by G.
Protein change: p.Lys33Arg; replaces lysine 33 with arginine.
Molecular consequence: missense variant. On other transcripts: 5 prime UTR variant (4), non-coding transcript variant (2).
Genome position (GRCh38, 1-based): chr1:45,334,408, T>C on the plus strand (A>G on the coding strand, the complement: MUTYH is on the minus strand). VCF-style: chr1-45334408-T-C. GRCh37 (hg19) VCF-style: chr1-45800080-T-C.
Other names: c.98A>G, p.Lys33Arg (NM_001048171.2, NM_001048172.2, NM_001048173.2 and 2 more transcripts); c.140A>G, p.Lys47Arg (NM_001128425.2, NM_001293190.2, NM_012222.3); c.-115A>G (NM_001293192.2, NM_001293196.2); c.-174A>G (NM_001350650.2); c.-110A>G (NM_001350651.2); short protein forms K47R, K33R.
Identifiers: ClinVar variation 920561 (VCV000920561.8), dbSNP rs757260904, ClinGen allele CA060270.

ClinVar aggregate classification (germline): Conflicting classifications of pathogenicity. Review status: criteria provided, conflicting classifications (1 of 4 stars). 3 submissions from 3 submitters: Uncertain significance (2); Benign (1). Last evaluated 2025-09-09.

Conditions:
Familial adenomatous polyposis 2. Also called: Adenomas, multiple colorectal; MUTYH Polyposis; COLORECTAL ADENOMATOUS POLYPOSIS, AUTOSOMAL RECESSIVE; ADENOMAS, MULTIPLE COLORECTAL, AUTOSOMAL RECESSIVE; MUTYH-associated polyposis; MUTYH-related attenuated familial adenomatous polyposis. Identifiers: Orphanet 220460, Orphanet 247798, MedGen C3272841, MONDO:0012041, OMIM 608456.
Hereditary cancer-predisposing syndrome. Also called: Neoplastic Syndromes, Hereditary; Tumor predisposition; Hereditary Cancer Syndrome; Hereditary neoplastic syndrome. Identifiers: Orphanet 140162, MedGen C0027672, MeSH D009386, MONDO:0015356.

Allele frequency attached by ClinVar (database versions not stated): gnomAD exomes below 0.00001; ExAC 0.00001.
gnomAD v4.1: 3 of 1,614,146 alleles (0.00019%); highest among the groups gnomAD compares: Non-Finnish European, 0.00025%; no homozygotes.

Submissions (3):

Ambry Genetics
Classification: Benign for Hereditary cancer-predisposing syndrome. Last evaluated: 2025-09-09. Review status: criteria provided, single submitter. Criteria: Ambry Variant Classification Scheme 2023. Collection method: clinical testing. Allele origin: germline.

All of Us Research Program, National Institutes of Health
Classification: Uncertain significance for Familial adenomatous polyposis 2. Last evaluated: 2024-03-24. Review status: criteria provided, single submitter. Criteria: ACMG Guidelines, 2015. Collection method: clinical testing. Allele origin: germline. Inheritance: Autosomal recessive inheritance. Observed: 1 variant allele, 1 heterozygote.
Comment: This missense variant replaces lysine with arginine at codon 47 of the MUTYH protein. Computational prediction suggests that this variant may not impact protein structure and function (internally defined REVEL score threshold <= 0.5, PMID: 27666373). To our knowledge, functional studies have not been reported for this variant. This variant has not been reported in individuals affected with MUTYH-related disorders in the literature. This variant has been identified in 1/251480 chromosomes in the general population by the Genome Aggregation Database (gnomAD). The available evidence is insufficient to determine the role of this variant in disease conclusively. Therefore, this variant is classified as a Variant of Uncertain Significance.

This study involves interpretation of variants in research participants for the purpose of population health screening. Participant phenotype was not available at the time of variant classification. Additional details can be found in publication PMID: 35346344, PMCID: PMC8962531

Color Diagnostics, LLC DBA Color Health
Classification: Uncertain significance for Hereditary cancer-predisposing syndrome. Last evaluated: 2024-03-06. Review status: criteria provided, single submitter. Criteria: ACMG Guidelines, 2015. Collection method: clinical testing. Allele origin: germline.
Comment: This missense variant replaces lysine with arginine at codon 47 of the MUTYH protein. Computational prediction suggests that this variant may not impact protein structure and function (internally defined REVEL score threshold <= 0.5, PMID: 27666373). To our knowledge, functional studies have not been reported for this variant. This variant has not been reported in individuals affected with MUTYH-related disorders in the literature. This variant has been identified in 1/251480 chromosomes in the general population by the Genome Aggregation Database (gnomAD). The available evidence is insufficient to determine the role of this variant in disease conclusively. Therefore, this variant is classified as a Variant of Uncertain Significance.

Literature cited by the submitters: PubMed 40738107 (cited by Ambry Genetics).